The following is an entry in ClinVar:

ClinVar aggregate classification (germline): Pathogenic (1 of 4 stars; one submission).

Conditions:
Leber congenital amaurosis 4 (LCA4). Identifiers: MedGen C1858386, MONDO:0011458, OMIM 604393.

Submission:

Labcorp Genetics (formerly Invitae), Labcorp
Classification: Pathogenic for Leber congenital amaurosis 4. Last evaluated: 2022-09-27. Review status: criteria provided, single submitter. Criteria: Invitae Variant Classification Sherloc (09022015). Collection method: clinical testing. Allele origin: germline.
Comment: For these reasons, this variant has been classified as Pathogenic. This variant disrupts a region of the AIPL1 protein in which other variant(s) (p.Trp278*) have been determined to be pathogenic (PMID: 10615133, 10873396). This suggests that this is a clinically significant region of the protein, and that variants that disrupt it are likely to be disease-causing. Algorithms developed to predict the effect of sequence changes on RNA splicing suggest that this variant may create or strengthen a splice site. ClinVar contains an entry for this variant (Variation ID: 1451781). This variant has not been reported in the literature in individuals affected with AIPL1-related conditions. This variant is not present in population databases (gnomAD no frequency). This sequence change creates a premature translational stop signal (p.Glu276*) in the AIPL1 gene. While this is not anticipated to result in nonsense mediated decay, it is expected to disrupt the last 109 amino acid(s) of the AIPL1 protein.

Literature cited by the submitters: PubMed 10615133; PubMed 10873396.

NM_014336.5(AIPL1):c.826G>T (p.Glu276Ter)

Gene: AIPL1 (AIP like 1 HSP90 co-chaperone; minus strand). Cytogenetic location: 17p13.2.
Variant type: single nucleotide variant.
Coding change: c.826G>T on transcript NM_014336.5 (MANE Select); coding-DNA position 826, G replaced by T.
Protein change: p.Glu276Ter; replaces glutamic acid 276 with a stop codon.
Molecular consequence: nonsense. On other transcripts: 3 prime UTR variant (1).
Genome position (GRCh38, 1-based): chr17:6,425,789, C>A on the plus strand (G>T on the coding strand, the complement: AIPL1 is on the minus strand). VCF-style: chr17-6425789-C-A. GRCh37 (hg19) VCF-style: chr17-6329109-C-A.
Other names: c.637G>T, p.Glu213Ter (NM_001033054.3); c.646G>T, p.Glu216Ter (NM_001033055.3); c.790G>T, p.Glu264Ter (NM_001285399.3); c.760G>T, p.Glu254Ter (NM_001285400.3); c.754G>T, p.Glu252Ter (NM_001285401.3); c.709G>T, p.Glu237Ter (NM_001285402.2); c.*797G>T (NM_001285403.4); short protein forms E213*, E264*, E216*, E237*, E252*, E254*, E276*.
Identifiers: ClinVar variation 1451781 (VCV001451781.8), dbSNP rs2150674982, ClinGen allele CA397394848.